The following is an entry in ClinVar:

NM_002691.4(POLD1):c.1473C>T (p.His491=)

Gene: POLD1 (DNA polymerase delta 1, catalytic subunit; plus strand). Cytogenetic location: 19q13.33.
Variant type: single nucleotide variant.
Coding change: c.1473C>T on transcript NM_002691.4 (MANE Select); coding-DNA position 1473, C replaced by T.
Protein change: p.His491=; no amino-acid change (histidine 491 retained).
Molecular consequence: synonymous variant. On other transcripts: non-coding transcript variant (1).
Genome position (GRCh38, 1-based): chr19:50,406,496, C>T. VCF-style: chr19-50406496-C-T. GRCh37 (hg19) VCF-style: chr19-50909753-C-T.
Other names: c.1473C>T, p.His491= (NM_001256849.1, NM_001308632.1).
Identifiers: ClinVar variation 1579836 (VCV001579836.9), dbSNP rs2038889765, ClinGen allele CA508304760.

ClinVar aggregate classification (germline): Benign/Likely benign. Review status: criteria provided, multiple submitters, no conflicts (2 of 4 stars). 2 submissions from 2 submitters: Benign (1); Likely benign (1). Last evaluated 2025-02-06.

Conditions:
POLD1-related polyposis and colorectal cancer syndrome (CRCS10). Also called: Colorectal cancer 10; COLORECTAL CANCER, SUSCEPTIBILITY TO, ON CHROMOSOME 19q; Colorectal cancer, susceptibility to, 10. Identifiers: Orphanet 220460, MedGen C2675481, MONDO:0012953, OMIM 612591.

Allele frequency attached by ClinVar (database versions not stated): TOPMed below 0.00001.

Submissions (2):

Myriad Genetics, Inc.
Classification: Benign for POLD1-related polyposis and colorectal cancer syndrome. Last evaluated: 2025-02-06. Review status: criteria provided, single submitter. Criteria: Myriad Autosomal Dominant, Autosomal Recessive and X-Linked Classification Criteria (2023). Collection method: clinical testing. Allele origin: unknown.
Comment: This variant is considered benign. This variant is a silent/synonymous amino acid change and it is not expected to impact splicing.

Labcorp Genetics (formerly Invitae), Labcorp
Classification: Likely benign for POLD1-related polyposis and colorectal cancer syndrome. Last evaluated: 2024-11-15. Review status: criteria provided, single submitter. Criteria: Invitae Variant Classification Sherloc (09022015). Collection method: clinical testing. Allele origin: germline.